The following is an entry in ClinVar:

NM_000379.4(XDH):c.1857-4G>A

Gene: XDH (xanthine dehydrogenase; minus strand). Cytogenetic location: 2p23.1.
Variant type: single nucleotide variant.
Coding change: c.1857-4G>A on transcript NM_000379.4 (MANE Select); 4 bases into the intron before coding-DNA position 1857, G replaced by A.
Molecular consequence: intron variant.
Genome position (GRCh38, 1-based): chr2:31,370,482, C>T on the plus strand (G>A on the coding strand, the complement: XDH is on the minus strand). VCF-style: chr2-31370482-C-T. GRCh37 (hg19) VCF-style: chr2-31593348-C-T.
Identifiers: ClinVar variation 335779 (VCV000335779.41), dbSNP rs17395175, ClinGen allele CA1599048.

ClinVar aggregate classification (germline): Benign/Likely benign. Review status: criteria provided, multiple submitters, no conflicts (2 of 4 stars). 5 submissions from 5 submitters: Benign (2); Likely benign (3). Last evaluated 2026-01-15.

Conditions:
Hereditary xanthinuria type 1 (XAN1). Identifiers: Orphanet 3467, Orphanet 93601, MedGen C0268118, MONDO:0010209, OMIM 278300.
Xanthinuria type II. Also called: Xanthine dehydrogenase and aldehyde oxidase combined deficiency of; XDH and AOX dual deficiency. Identifiers: Orphanet 3467, Orphanet 93602, MedGen C1863688, MONDO:0011346, OMIM 603592.

Allele frequency attached by ClinVar (database versions not stated): 1000 Genomes Project 0.00060; 1000 Genomes Project 30x 0.00062; ExAC 0.00500; TOPMed 0.00502; gnomAD exomes 0.00515 and 0.00783; gnomAD 0.00538 and 0.00541; ESP Exome Variant Server 0.00638.
gnomAD v4.1: 12,180 of 1,614,088 alleles (0.75%); highest among the groups gnomAD compares: Non-Finnish European, 0.93%; 60 homozygotes.

Submissions (5):

Labcorp Genetics (formerly Invitae), Labcorp
Classification: Benign for Xanthinuria type II. Last evaluated: 2026-01-15. Review status: criteria provided, single submitter. Criteria: Invitae Variant Classification Sherloc (09022015). Collection method: clinical testing. Allele origin: germline.

CeGaT Center for Human Genetics Tuebingen
Classification: Likely benign. Last evaluated: 2025-05-01. Review status: criteria provided, single submitter. Criteria: CeGaT Center For Human Genetics Tuebingen Variant Classification Criteria Version 2. Collection method: clinical testing. Allele origin: germline. Affected: yes. Observed: 2 variant alleles.
Comment: XDH: BP4, BS2

Genome-Nilou Lab
Classification: Benign for Hereditary xanthinuria type 1. Last evaluated: 2021-12-05. Review status: criteria provided, single submitter. Criteria: ACMG Guidelines, 2015. Collection method: clinical testing. Allele origin: germline. Affected: no.

Illumina Laboratory Services, Illumina
Classification: Likely benign for Hereditary xanthinuria type 1. Last evaluated: 2018-01-12. Review status: criteria provided, single submitter. Criteria: ICSL Variant Classification Criteria 13 December 2019. Collection method: clinical testing. Allele origin: germline.
Comment: This variant was observed in the ICSL laboratory as part of a predisposition screen in an ostensibly healthy population. It had not been previously curated by ICSL or reported in the Human Gene Mutation Database (HGMD: prior to June 1st, 2018), and was therefore a candidate for classification through an automated scoring system. Utilizing variant allele frequency, disease prevalence and penetrance estimates, and inheritance mode, an automated score was calculated to assess if this variant is too frequent to cause the disease. Based on the score and internal cut-off values, a variant classified as likely benign is not then subjected to further curation. The score for this variant resulted in a classification of likely benign for this disease.

Breakthrough Genomics
Classification: Likely benign. Review status: criteria provided, single submitter. Criteria: ACMG Guidelines, 2015. Collection method: not provided. Allele origin: germline. Inheritance: Autosomal recessive inheritance. Affected: yes.